The following is an entry in ClinVar:

ClinVar aggregate classification (germline): Uncertain significance. Review status: criteria provided, multiple submitters, no conflicts (2 of 4 stars). 2 submissions from 2 submitters: Uncertain significance (2). Last evaluated 2025-01-15.

Conditions:
Hereditary cancer-predisposing syndrome. Also called: Neoplastic Syndromes, Hereditary; Hereditary Cancer Syndrome; Tumor predisposition; Hereditary neoplastic syndrome. Identifiers: Orphanet 140162, MedGen C0027672, MeSH D009386, MONDO:0015356.
EGFR-related lung cancer (EGFR). Identifiers: MedGen CN130014.

Allele frequency attached by ClinVar (database versions not stated): gnomAD 0.00001; gnomAD exomes 0.00001; TOPMed 0.00001.
gnomAD v4.1: 11 of 1,614,094 alleles (0.00068%); highest among the groups gnomAD compares: Non-Finnish European, 0.00093%; no homozygotes.

Submissions (2):

Ambry Genetics
Classification: Uncertain significance for Hereditary cancer-predisposing syndrome. Last evaluated: 2025-01-15. Review status: criteria provided, single submitter. Criteria: Ambry Variant Classification Scheme 2023. Collection method: clinical testing. Allele origin: germline.
Comment: The p.R803Q variant (also known as c.2408G>A), located in coding exon 20 of the EGFR gene, results from a G to A substitution at nucleotide position 2408. The arginine at codon 803 is replaced by glutamine, an amino acid with highly similar properties. This amino acid position is highly conserved in available vertebrate species. In addition, the in silico prediction for this alteration is inconclusive. Based on the available evidence, the clinical significance of this variant remains unclear.

Labcorp Genetics (formerly Invitae), Labcorp
Classification: Uncertain significance for EGFR-related lung cancer. Last evaluated: 2024-12-22. Review status: criteria provided, single submitter. Criteria: Invitae Variant Classification Sherloc (09022015). Collection method: clinical testing. Allele origin: germline.
Comment: This sequence change replaces arginine, which is basic and polar, with glutamine, which is neutral and polar, at codon 803 of the EGFR protein (p.Arg803Gln). This variant is present in population databases (no rsID available, gnomAD 0.002%). This variant has not been reported in the literature in individuals affected with EGFR-related conditions. ClinVar contains an entry for this variant (Variation ID: 946019). Invitae Evidence Modeling of protein sequence and biophysical properties (such as structural, functional, and spatial information, amino acid conservation, physicochemical variation, residue mobility, and thermodynamic stability) indicates that this missense variant is not expected to disrupt EGFR protein function with a negative predictive value of 80%. In summary, the available evidence is currently insufficient to determine the role of this variant in disease. Therefore, it has been classified as a Variant of Uncertain Significance.

NM_005228.5(EGFR):c.2408G>A (p.Arg803Gln)

Genes: EGFR-AS1 (EGFR antisense RNA 1; minus strand), EGFR (epidermal growth factor receptor; plus strand). Cytogenetic location: 7p11.2.
Variant type: single nucleotide variant.
Coding change: c.2408G>A on transcript NM_005228.5 (MANE Select); coding-DNA position 2408, G replaced by A.
Protein change: p.Arg803Gln; replaces arginine 803 with glutamine.
Molecular consequence: missense variant. On other transcripts: non-coding transcript variant (1).
Genome position (GRCh38, 1-based): chr7:55,181,417, G>A. VCF-style: chr7-55181417-G-A. GRCh37 (hg19) VCF-style: chr7-55249110-G-A.
Other names: c.2273G>A, p.Arg758Gln (NM_001346897.2, NM_001346899.2); c.2408G>A, p.Arg803Gln (NM_001346898.2); c.2249G>A, p.Arg750Gln (NM_001346900.2); c.1607G>A, p.Arg536Gln (NM_001346941.2); short protein forms R536Q, R758Q, R803Q, R750Q.
Identifiers: ClinVar variation 946019 (VCV000946019.7), dbSNP rs1263602634, ClinGen allele CA367578934.
Genomic context (GRCh38, chr7:55,181,417, plus strand): 5'-CCTCCACCGTGCAGCTCATCACGCAGCTCATGCCCTTCGGCTGCCTCCTGGACTATGTCC[G>A]GGAACACAAAGACAATATTGGCTCCCAGTACCTGCTCAACTGGTGTGTGCAGATCGCAAA-3'
Protein context (NP_005219.2, residues 793-813): MPFGCLLDYV[Arg803Gln]EHKDNIGSQY